The following is an entry in ClinVar:

ClinVar aggregate classification (germline): Uncertain significance (1 of 4 stars; one submission).

gnomAD v4.1: 2 of 1,573,800 alleles (0.00013%); highest among the groups gnomAD compares: Non-Finnish European, 0.00017%; no homozygotes.

Submission:

Labcorp Genetics (formerly Invitae), Labcorp
Classification: Uncertain significance. Last evaluated: 2022-08-24. Review status: criteria provided, single submitter. Criteria: Invitae Variant Classification Sherloc (09022015). Collection method: clinical testing. Allele origin: germline.
Comment: This sequence change replaces glycine, which is neutral and non-polar, with serine, which is neutral and polar, at codon 1744 of the MYH7B protein (p.Gly1744Ser). This variant is not present in population databases (gnomAD no frequency). This variant has not been reported in the literature in individuals affected with MYH7B-related conditions. Algorithms developed to predict the effect of missense changes on protein structure and function are either unavailable or do not agree on the potential impact of this missense change (SIFT: "Deleterious"; PolyPhen-2: "Benign"; Align-GVGD: "Class C55"). In summary, the available evidence is currently insufficient to determine the role of this variant in disease. Therefore, it has been classified as a Variant of Uncertain Significance.

NM_020884.7(MYH7B):c.5104G>A (p.Gly1702Ser)

Gene: MYH7B (myosin heavy chain 7B; plus strand). Cytogenetic location: 20q11.22.
Variant type: single nucleotide variant.
Coding change: c.5104G>A on transcript NM_020884.7 (MANE Select); coding-DNA position 5104, G replaced by A.
Protein change: p.Gly1702Ser; replaces glycine 1702 with serine.
Molecular consequence: missense variant.
Genome position (GRCh38, 1-based): chr20:35,000,615, G>A. VCF-style: chr20-35000615-G-A. GRCh37 (hg19) VCF-style: chr20-33588418-G-A.
Other names: short protein forms G1702S.
Identifiers: ClinVar variation 1714287 (VCV001714287.5), dbSNP rs1455920955, ClinGen allele CA408718388.